The following is an entry in ClinVar:

NM_000551.4(VHL):c.340+1del

Gene: VHL (von Hippel-Lindau tumor suppressor; plus strand). Cytogenetic location: 3p25.3.
Variant type: Deletion.
Coding change: c.340+1del on transcript NM_000551.4 (MANE Select); the canonical splice donor site of the intron after coding-DNA position 340, one base deleted (G; older notation c.340+1delG).
Molecular consequence: splice donor variant.
Genome position (GRCh38, 1-based): chr3:10,142,188, G deleted; the last of 2 consecutive G bases (chr3:10,142,187-10,142,188); deleting either gives the same sequence. VCF-style (leftmost placement, unchanged base first): chr3-10142186-AG-A. GRCh37 (hg19) VCF-style: chr3-10183870-AG-A.
Other names: c.340+1del (NM_001354723.2, NM_198156.3).
Identifiers: ClinVar variation 3232221 (VCV003232221.1), dbSNP rs2470158799, ClinGen allele CA432420699.

ClinVar aggregate classification (germline): Likely pathogenic (1 of 4 stars; one submission).

Conditions:
Hereditary cancer-predisposing syndrome. Also called: Neoplastic Syndromes, Hereditary; Tumor predisposition; Hereditary neoplastic syndrome; Hereditary Cancer Syndrome. Identifiers: Orphanet 140162, MedGen C0027672, MeSH D009386, MONDO:0015356.

Submission:

Ambry Genetics
Classification: Likely pathogenic for Hereditary cancer-predisposing syndrome. Last evaluated: 2023-09-22. Review status: criteria provided, single submitter. Criteria: Ambry Variant Classification Scheme 2023. Collection method: clinical testing. Allele origin: germline.
Comment: The c.340+1delG intronic variant, located in intron 1 of the VHL gene, results from a deletion of one nucleotide within intron 1 of the VHL gene. This nucleotide position is highly conserved in available vertebrate species. In silico splice site analysis predicts that this alteration will weaken the native splice donor site and will result in the creation or strengthening of a novel splice donor site; however direct evidence is insufficient at this time (Ambry internal data). Alterations that disrupt the canonical splice site are expected to cause aberrant splicing, resulting in an abnormal protein or a transcript that is subject to nonsense-mediated mRNA decay. As such, this alteration is classified as likely pathogenic.